The following is an entry in ClinVar:

ClinVar aggregate classification (germline): Uncertain significance (1 of 4 stars; one submission).

Conditions:
Fanconi anemia (FA). Also called: Fanconi's anemia. Identifiers: Orphanet 84, MedGen C0015625, MeSH D005199, MONDO:0019391.

Submission:

Labcorp Genetics (formerly Invitae), Labcorp
Classification: Uncertain significance for Fanconi anemia. Last evaluated: 2023-10-05. Review status: criteria provided, single submitter. Criteria: Invitae Variant Classification Sherloc (09022015). Collection method: clinical testing. Allele origin: germline.
Comment: This variant, c.768_770del, results in the deletion of 1 amino acid(s) of the FANCI protein (p.Val257del), but otherwise preserves the integrity of the reading frame. This variant is present in population databases (no rsID available, gnomAD 0.006%). This variant has not been reported in the literature in individuals affected with FANCI-related conditions. Experimental studies and prediction algorithms are not available or were not evaluated, and the functional significance of this variant is currently unknown. In summary, the available evidence is currently insufficient to determine the role of this variant in disease. Therefore, it has been classified as a Variant of Uncertain Significance.

NM_001113378.2(FANCI):c.765TGT[1] (p.Val257del)

Gene: FANCI (FA complementation group I; plus strand). Cytogenetic location: 15q26.1.
Variant type: Microsatellite.
Coding change: c.765TGT[1] on transcript NM_001113378.2 (MANE Select); one copy of the 3-base unit TGT starting at c.765; the reference has two copies in a row; one copy, 3 bases deleted.
Protein change: p.Val257del; deletes valine 257.
Molecular consequence: inframe deletion.
Genome position (GRCh38, 1-based): chr15:89,268,411-89,268,413, TGT deleted; deleting any 3 consecutive bases within chr15:89,268,408-89,268,413 gives the same sequence; the position shown is the placement nearest the transcript's 3' end. VCF-style (leftmost placement, unchanged base first): chr15-89268407-ATGT-A. GRCh37 (hg19) VCF-style: chr15-89811638-ATGT-A.
Other names: c.486TGT[1], p.Val164del (NM_001376910.1); c.765TGT[1], p.Val257del (NM_001376911.1, NM_018193.3); short protein forms V164del, V257del.
Identifiers: ClinVar variation 1443429 (VCV001443429.6), dbSNP rs1322941307, ClinGen allele CA619509715.
Genomic context (GRCh38, chr15:89,268,407, plus strand): 5'-AGGCATGAGCCACTGCACCTTATAGCTCATAACTTTCTGTTGAATCTTTTAGGCTATTGG[ATGT>A]TGTCACTGTGCCATCAGGTGAACTTCGTCATGTGGAAGGCACCATTATTCTACACATTGT-3'